The following is an entry in ClinVar:

NM_018076.5(ODAD2):c.383C>G (p.Ala128Gly)

Gene: ODAD2 (outer dynein arm docking complex subunit 2; minus strand). Cytogenetic location: 10p12.1.
Variant type: single nucleotide variant.
Coding change: c.383C>G on transcript NM_018076.5 (MANE Select); coding-DNA position 383, C replaced by G.
Protein change: p.Ala128Gly; replaces alanine 128 with glycine.
Molecular consequence: missense variant.
Genome position (GRCh38, 1-based): chr10:27,985,211, G>C on the plus strand (C>G on the coding strand, the complement: ODAD2 is on the minus strand). VCF-style: chr10-27985211-G-C. GRCh37 (hg19) VCF-style: chr10-28274140-G-C.
Other names: c.383C>G, p.Ala128Gly (NM_001290020.2); short protein forms A128G.
Identifiers: ClinVar variation 541501 (VCV000541501.9), dbSNP rs1240219568, ClinGen allele CA376397453.

ClinVar aggregate classification (germline): Uncertain significance. Review status: criteria provided, multiple submitters, no conflicts (2 of 4 stars). 2 submissions from 2 submitters: Uncertain significance (2). Last evaluated 2024-08-06.

Conditions:
Primary ciliary dyskinesia 23 (CILD23). Also called: CILIARY DYSKINESIA, PRIMARY, 23, WITH OR WITHOUT SITUS INVERSUS. Identifiers: Orphanet 244, MedGen C3809548, MONDO:0014193, OMIM 615451.
Primary ciliary dyskinesia. Also called: Ciliary dyskinesia. Identifiers: Orphanet 244, MedGen C0008780, MONDO:0016575, HP:0012265.

Allele frequency attached by ClinVar (database versions not stated): gnomAD 0.00004 and 0.00005; TOPMed 0.00010.

Submissions (2):

Ambry Genetics
Classification: Uncertain significance for Primary ciliary dyskinesia. Last evaluated: 2024-08-06. Review status: criteria provided, single submitter. Criteria: Ambry Variant Classification Scheme 2023. Collection method: clinical testing. Allele origin: germline.

Labcorp Genetics (formerly Invitae), Labcorp
Classification: Uncertain significance for Primary ciliary dyskinesia 23. Last evaluated: 2021-08-31. Review status: criteria provided, single submitter. Criteria: Invitae Variant Classification Sherloc (09022015). Collection method: clinical testing. Allele origin: germline.
Comment: This sequence change replaces alanine with glycine at codon 128 of the ARMC4 protein (p.Ala128Gly). The alanine residue is moderately conserved and there is a small physicochemical difference between alanine and glycine. This variant is not present in population databases (ExAC no frequency). This variant has not been reported in the literature in individuals affected with ARMC4-related conditions. Algorithms developed to predict the effect of missense changes on protein structure and function (SIFT, PolyPhen-2, Align-GVGD) all suggest that this variant is likely to be tolerated. Algorithms developed to predict the effect of sequence changes on RNA splicing suggest that this variant may create or strengthen a splice site. In summary, the available evidence is currently insufficient to determine the role of this variant in disease. Therefore, it has been classified as a Variant of Uncertain Significance.